The following is an entry in ClinVar:

NM_001458.5(FLNC):c.113A>T (p.Gln38Leu)

Gene: FLNC (filamin C; plus strand). Cytogenetic location: 7q32.1.
Variant type: single nucleotide variant.
Coding change: c.113A>T on transcript NM_001458.5 (MANE Select); coding-DNA position 113, A replaced by T.
Protein change: p.Gln38Leu; replaces glutamine 38 with leucine.
Molecular consequence: missense variant.
Genome position (GRCh38, 1-based): chr7:128,830,750, A>T. VCF-style: chr7-128830750-A-T. GRCh37 (hg19) VCF-style: chr7-128470804-A-T.
Other names: c.113A>T (NM_001458.4); c.113A>T, p.Gln38Leu (NM_001127487.2); short protein forms Q38L.
Identifiers: ClinVar variation 802365 (VCV000802365.3), dbSNP rs1585147708, ClinGen allele CA369215803.

ClinVar aggregate classification (germline): Uncertain significance. Review status: criteria provided, multiple submitters, no conflicts (2 of 4 stars). 2 submissions from 2 submitters: Uncertain significance (2). Last evaluated 2023-05-21.

Conditions:
Cardiovascular phenotype. Identifiers: MedGen CN230736.
Myofibrillar myopathy 5. Also called: Filaminopathy (type); FILAMINOPATHY, AUTOSOMAL DOMINANT. Identifiers: Orphanet 171445, MedGen C1836050, MONDO:0012289, OMIM 609524.

Submissions (2):

Ambry Genetics
Classification: Uncertain significance for Cardiovascular phenotype. Last evaluated: 2023-05-21. Review status: criteria provided, single submitter. Criteria: Ambry Variant Classification Scheme 2023. Collection method: clinical testing. Allele origin: germline.
Comment: The p.Q38L variant (also known as c.113A>T), located in coding exon 1 of the FLNC gene, results from an A to T substitution at nucleotide position 113. The glutamine at codon 38 is replaced by leucine, an amino acid with dissimilar properties. This amino acid position is conserved. In addition, this alteration is predicted to be deleterious by in silico analysis. Since supporting evidence is limited at this time, the clinical significance of this alteration remains unclear.

Mendelics
Classification: Uncertain significance for Myofibrillar myopathy 5. Last evaluated: 2019-05-28. Review status: criteria provided, single submitter. Criteria: Mendelics Assertion Criteria 2017. Collection method: clinical testing. Allele origin: unknown.